The following is an entry in ClinVar:

NM_138691.3(TMC1):c.557C>G (p.Ala186Gly)

Gene: TMC1 (transmembrane channel like 1; plus strand). Cytogenetic location: 9q21.13.
Variant type: single nucleotide variant.
Coding change: c.557C>G on transcript NM_138691.3 (MANE Select); coding-DNA position 557, C replaced by G.
Protein change: p.Ala186Gly; replaces alanine 186 with glycine.
Molecular consequence: missense variant.
Genome position (GRCh38, 1-based): chr9:72,751,871, C>G. VCF-style: chr9-72751871-C-G. GRCh37 (hg19) VCF-style: chr9-75366787-C-G.
Other names: short protein forms A186G.
Identifiers: ClinVar variation 178824 (VCV000178824.5), dbSNP rs727504470, ClinGen allele CA183106.

ClinVar aggregate classification (germline): Uncertain significance (1 of 4 stars; one submission).

Submission:

Laboratory for Molecular Medicine, Mass General Brigham Personalized Medicine
Classification: Uncertain significance. Last evaluated: 2013-05-06. Review status: criteria provided, single submitter. Criteria: LMM Criteria. Collection method: clinical testing. Allele origin: germline. Observed: 1 variant allele.
Comment: Variant classified as Uncertain Significance - Favor Benign. The Ala186Gly varia nt in TMC1 has not been reported in individuals affected with hearing loss or in large population studies. Computational analyses (biochemical amino acid proper ties, conservation, AlignGVGD, PolyPhen2, and SIFT) do not provide strong suppor t for or against an impact to the protein. In summary, additional information is needed to assess the clinical significance of this variant.